The following is an entry in ClinVar:

ClinVar aggregate classification (germline): Likely benign (1 of 4 stars; one submission).

Submission:

CeGaT Center for Human Genetics Tuebingen
Classification: Likely benign. Last evaluated: 2023-03-01. Review status: criteria provided, single submitter. Criteria: CeGaT Center For Human Genetics Tuebingen Variant Classification Criteria Version 2. Collection method: clinical testing. Allele origin: germline. Affected: yes. Observed: 1 variant allele.
Comment: IPO8: PM2:Supporting, BP4, BP7

NM_006390.4(IPO8):c.2727T>C (p.Asn909=)

Gene: IPO8 (importin 8; minus strand). Cytogenetic location: 12p11.21.
Variant type: single nucleotide variant.
Coding change: c.2727T>C on transcript NM_006390.4 (MANE Select); coding-DNA position 2727, T replaced by C.
Protein change: p.Asn909=; no amino-acid change (asparagine 909 retained).
Molecular consequence: synonymous variant.
Genome position (GRCh38, 1-based): chr12:30,634,255, A>G on the plus strand (T>C on the coding strand, the complement: IPO8 is on the minus strand). VCF-style: chr12-30634255-A-G. GRCh37 (hg19) VCF-style: chr12-30787189-A-G.
Other names: c.2112T>C, p.Asn704= (NM_001190995.2).
Identifiers: ClinVar variation 2642811 (VCV002642811.24), dbSNP rs2497939661, ClinGen allele CA479117481.